The following is an entry in ClinVar:

NM_004006.3(DMD):c.9974G>A (p.Arg3325Lys)

Gene: DMD (dystrophin; minus strand). Cytogenetic location: Xp21.2.
Variant type: single nucleotide variant.
Coding change: c.9974G>A on transcript NM_004006.3 (MANE Select); coding-DNA position 9974, G replaced by A.
Protein change: p.Arg3325Lys; replaces arginine 3325 with lysine.
Molecular consequence: missense variant.
Genome position (GRCh38, 1-based): chrX:31,182,738, C>T on the plus strand (G>A on the coding strand, the complement: DMD is on the minus strand). VCF-style: chrX-31182738-C-T. GRCh37 (hg19) VCF-style: chrX-31200855-C-T.
Other names: c.9950G>A, p.Arg3317Lys (NM_000109.4); c.9962G>A, p.Arg3321Lys (NM_004009.3); c.9605G>A, p.Arg3202Lys (NM_004010.3); c.5951G>A, p.Arg1984Lys (NM_004011.4); c.5942G>A, p.Arg1981Lys (NM_004012.4); c.2594G>A, p.Arg865Lys (NM_004013.3, NM_004020.4, NM_004021.3 and 2 more transcripts); c.1787G>A, p.Arg596Lys (NM_004014.3); c.770G>A, p.Arg257Lys (NM_004015.3, NM_004016.3, NM_004017.3 and 2 more transcripts); short protein forms R3325K, R1981K, R3202K, R596K, R1984K, R257K, R3317K, R3321K.
Identifiers: ClinVar variation 3339622 (VCV003339622.1), dbSNP rs398124109.

ClinVar aggregate classification (germline): Uncertain significance (1 of 4 stars; one submission).

Submission:

Women's Health and Genetics/Laboratory Corporation of America, LabCorp
Classification: Uncertain significance. Last evaluated: 2024-06-11. Review status: criteria provided, single submitter. Criteria: LabCorp Variant Classification Summary - May 2015. Collection method: clinical testing. Allele origin: germline.
Comment: Variant summary: DMD c.9974G>A (p.Arg3325Lys) results in a conservative amino acid change in the encoded protein sequence. Four of five in-silico tools predict a damaging effect of the variant on protein function. Several computational tools predict a significant impact on normal splicing: Four predict the variant abolishes a 5' splicing donor site. However, these predictions have yet to be confirmed by functional studies. The frequency data for this variant in gnomAD is considered unreliable, as metrics indicate poor data quality at this position. To our knowledge, no occurrence of c.9974G>A in individuals affected with Duchenne Muscular Dystrophy and no experimental evidence demonstrating its impact on protein function have been reported. No submitters have cited clinical-significance assessments for this variant to ClinVar. Based on the evidence outlined above, the variant was classified as uncertain significance.